The following is an entry in ClinVar:

ClinVar aggregate classification (germline): Uncertain significance. Review status: criteria provided, multiple submitters, no conflicts (2 of 4 stars). 3 submissions from 3 submitters: Uncertain significance (3). Last evaluated 2025-09-01.

Conditions:
Inborn genetic diseases. Identifiers: MedGen C0950123, MeSH D030342.
Hereditary spastic paraplegia 11. Also called: Spastic paraplegia, mental retardation and thin corpus callosum; Nakamura Osame syndrome; Autosomal recessive hereditary spastic paraplegia, mental impairment, and thin corpus callosum; SPASTIC PARAPLEGIA, AUTOSOMAL RECESSIVE, COMPLICATED, WITH THIN CORPUS CALLOSUM; SPASTIC PARAPLEGIA, AUTOSOMAL RECESSIVE, WITH MENTAL IMPAIRMENT AND THIN CORPUS CALLOSUM; Spastic Paraplegia 11. Identifiers: Orphanet 2822, MedGen C1858479, MONDO:0011445, OMIM 604360.

Allele frequency attached by ClinVar (database versions not stated): gnomAD exomes below 0.00001; TOPMed below 0.00001.

Submissions (3):

Ambry Genetics
Classification: Uncertain significance for Inborn genetic diseases. Last evaluated: 2025-09-01. Review status: criteria provided, single submitter. Criteria: Ambry Variant Classification Scheme 2023. Collection method: clinical testing. Allele origin: germline.

Labcorp Genetics (formerly Invitae), Labcorp
Classification: Uncertain significance for Hereditary spastic paraplegia 11. Last evaluated: 2022-09-06. Review status: criteria provided, single submitter. Criteria: Invitae Variant Classification Sherloc (09022015). Collection method: clinical testing. Allele origin: germline.
Comment: This sequence change replaces lysine, which is basic and polar, with isoleucine, which is neutral and non-polar, at codon 1025 of the SPG11 protein (p.Lys1025Ile). This variant is not present in population databases (gnomAD no frequency). This variant has not been reported in the literature in individuals affected with SPG11-related conditions. ClinVar contains an entry for this variant (Variation ID: 841229). Algorithms developed to predict the effect of missense changes on protein structure and function are either unavailable or do not agree on the potential impact of this missense change (SIFT: "Deleterious"; PolyPhen-2: "Probably Damaging"; Align-GVGD: "Class C0"). In summary, the available evidence is currently insufficient to determine the role of this variant in disease. Therefore, it has been classified as a Variant of Uncertain Significance.

Victorian Clinical Genetics Services, Murdoch Childrens Research Institute
Classification: Uncertain significance for Hereditary spastic paraplegia 11. Last evaluated: 2020-05-25. Review status: criteria provided, single submitter. Criteria: ACMG Guidelines, 2015. Collection method: clinical testing. Allele origin: germline. Inheritance: Autosomal recessive inheritance. Affected: yes.
Comment: Based on the classification scheme VCGS_Germline_v0.6.1, this variant is classified as 3B-VUS. Following criteria are met: 0102 - Loss of function is a known mechanism of disease for this gene. 0106 - This gene is known to be associated with autosomal recessive disease. 0200 - Variant is predicted to result in a missense amino acid change from lysine to isoleucine (exon 17). 0301 - Variant is absent from gnomAD. 0502 - Missense variant with conflicting in silico predictions and uninformative conservation. 0604 - Variant is not located in an established domain, motif or hotspot. 0705 - No comparable variants in relevant codon/region have previous evidence for pathogenicity. 0807 - Variant has not previously been reported in a clinical context. 0905 - No published segregation evidence has been identified for this variant. 1007 - No published functional evidence has been identified for this variant.

NM_025137.4(SPG11):c.3074A>T (p.Lys1025Ile)

Gene: SPG11 (SPG11 vesicle trafficking associated, spatacsin; minus strand). Cytogenetic location: 15q21.1.
Variant type: single nucleotide variant.
Coding change: c.3074A>T on transcript NM_025137.4 (MANE Select); coding-DNA position 3074, A replaced by T.
Protein change: p.Lys1025Ile; replaces lysine 1025 with isoleucine.
Molecular consequence: missense variant.
Genome position (GRCh38, 1-based): chr15:44,613,501, T>A on the plus strand (A>T on the coding strand, the complement: SPG11 is on the minus strand). VCF-style: chr15-44613501-T-A. GRCh37 (hg19) VCF-style: chr15-44905699-T-A.
Other names: c.3074A>T, p.Lys1025Ile (NM_001160227.2); short protein forms K1025I.
Identifiers: ClinVar variation 841229 (VCV000841229.10), dbSNP rs1567163203, ClinGen allele CA392228651.